The following is an entry in ClinVar:

ClinVar aggregate classification (germline): Uncertain significance (1 of 4 stars; one submission).

Conditions:
Hereditary cancer-predisposing syndrome. Also called: Hereditary Cancer Syndrome; Hereditary neoplastic syndrome; Neoplastic Syndromes, Hereditary; Tumor predisposition. Identifiers: Orphanet 140162, MedGen C0027672, MeSH D009386, MONDO:0015356.

Allele frequency attached by ClinVar (database versions not stated): TOPMed below 0.00001; gnomAD 0.00001.
gnomAD v4.1: 1 of 1,614,068 alleles (0.000062%); highest among the groups gnomAD compares: Non-Finnish European, 0.000085%; no homozygotes.

Submission:

Ambry Genetics
Classification: Uncertain significance for Hereditary cancer-predisposing syndrome. Last evaluated: 2025-12-07. Review status: criteria provided, single submitter. Criteria: Ambry Variant Classification Scheme 2023. Collection method: clinical testing. Allele origin: germline.
Comment: The p.S460G variant (also known as c.1378A>G), located in coding exon 13 of the FANCC gene, results from an A to G substitution at nucleotide position 1378. The serine at codon 460 is replaced by glycine, an amino acid with similar properties. This amino acid position is poorly conserved in available vertebrate species. In addition, this alteration is predicted to be tolerated by in silico analysis. Since supporting evidence is limited at this time, the clinical significance of this alteration remains unclear.

NM_000136.3(FANCC):c.1378A>G (p.Ser460Gly)

Genes: FANCC (FA complementation group C; minus strand), AOPEP (aminopeptidase O (putative); plus strand). Cytogenetic location: 9q22.32.
Variant type: single nucleotide variant.
Coding change: c.1378A>G on transcript NM_000136.3 (MANE Select); coding-DNA position 1378, A replaced by G.
Protein change: p.Ser460Gly; replaces serine 460 with glycine.
Molecular consequence: missense variant.
Genome position (GRCh38, 1-based): chr9:95,107,221, T>C on the plus strand (A>G on the coding strand, the complement: FANCC is on the minus strand). VCF-style: chr9-95107221-T-C. GRCh37 (hg19) VCF-style: chr9-97869503-T-C.
Other names: c.1378A>G, p.Ser460Gly (NM_001243743.2); short protein forms S460G.
Identifiers: ClinVar variation 1771209 (VCV001771209.3), dbSNP rs1263559065, ClinGen allele CA374106199.